The following is an entry in ClinVar:

NM_080424.4(SP110):c.2012A>G (p.His671Arg)

Gene: SP110 (SP110 nuclear body protein; minus strand). Cytogenetic location: 2q37.1.
Variant type: single nucleotide variant.
Coding change: c.2012A>G on transcript NM_080424.4 (MANE Select); coding-DNA position 2012, A replaced by G.
Protein change: p.His671Arg; replaces histidine 671 with arginine.
Molecular consequence: missense variant. On other transcripts: intron variant (1).
Genome position (GRCh38, 1-based): chr2:230,170,637, T>C on the plus strand (A>G on the coding strand, the complement: SP110 is on the minus strand). VCF-style: chr2-230170637-T-C. GRCh37 (hg19) VCF-style: chr2-231035353-T-C.
Other names: c.2108A>G, p.His703Arg (NM_001378442.1); c.2090A>G, p.His697Arg (NM_001378443.1); c.2030A>G, p.His677Arg (NM_001378444.1); c.1958A>G, p.His653Arg (NM_001378445.1); c.1940A>G, p.His647Arg (NM_004509.5); c.1834-1400A>G (NM_001378446.1); short protein forms H677R, H703R, H653R, H671R, H697R, H647R.
Identifiers: ClinVar variation 2201107 (VCV002201107.1), dbSNP rs758822350, ClinGen allele CA2154273.

ClinVar aggregate classification (germline): Uncertain significance (1 of 4 stars; one submission).

Conditions:
Hepatic veno-occlusive disease-immunodeficiency syndrome. Also called: Hepatic Veno-Occlusive Disease with Immunodeficiency. Identifiers: Orphanet 79124, MedGen C1856128, MONDO:0009338, OMIM 235550. Disease mechanism: loss of function.

Allele frequency attached by ClinVar (database versions not stated): gnomAD 0.00001; gnomAD exomes 0.00001; ExAC 0.00002; TOPMed 0.00002.
gnomAD v4.1: 18 of 1,614,084 alleles (0.0011%); highest among the groups gnomAD compares: Non-Finnish European, 0.0015%; no homozygotes.

Submission:

Labcorp Genetics (formerly Invitae), Labcorp
Classification: Uncertain significance for Hepatic veno-occlusive disease-immunodeficiency syndrome. Last evaluated: 2022-08-09. Review status: criteria provided, single submitter. Criteria: Invitae Variant Classification Sherloc (09022015). Collection method: clinical testing. Allele origin: germline.
Comment: This sequence change replaces histidine, which is basic and polar, with arginine, which is basic and polar, at codon 647 of the SP110 protein (p.His647Arg). This variant is present in population databases (rs758822350, gnomAD 0.002%). This variant has not been reported in the literature in individuals affected with SP110-related conditions. Algorithms developed to predict the effect of missense changes on protein structure and function (SIFT, PolyPhen-2, Align-GVGD) all suggest that this variant is likely to be tolerated. In summary, the available evidence is currently insufficient to determine the role of this variant in disease. Therefore, it has been classified as a Variant of Uncertain Significance.